The following is an entry in ClinVar:

ClinVar aggregate classification (germline): Uncertain significance (1 of 4 stars; one submission).

Allele frequency attached by ClinVar (database versions not stated): TOPMed below 0.00001; gnomAD 0.00001.

Submission:

Labcorp Genetics (formerly Invitae), Labcorp
Classification: Uncertain significance. Last evaluated: 2022-05-25. Review status: criteria provided, single submitter. Criteria: Invitae Variant Classification Sherloc (09022015). Collection method: clinical testing. Allele origin: germline.
Comment: In summary, the available evidence is currently insufficient to determine the role of this variant in disease. Therefore, it has been classified as a Variant of Uncertain Significance. This variant has not been reported in the literature in individuals affected with SCN3A-related conditions. The frequency data for this variant in the population databases is considered unreliable, as metrics indicate poor data quality at this position in the gnomAD database. This sequence change creates a premature translational stop signal (p.Arg851*) in the SCN3A gene. It is expected to result in an absent or disrupted protein product. However, the current clinical and genetic evidence is not sufficient to establish whether loss-of-function variants in SCN3A cause disease.

NM_006922.4(SCN3A):c.2551C>T (p.Arg851Ter)

Gene: SCN3A (sodium voltage-gated channel alpha subunit 3; minus strand). Cytogenetic location: 2q24.3.
Variant type: single nucleotide variant.
Coding change: c.2551C>T on transcript NM_006922.4 (MANE Select); coding-DNA position 2551, C replaced by T.
Protein change: p.Arg851Ter; replaces arginine 851 with a stop codon.
Molecular consequence: nonsense.
Genome position (GRCh38, 1-based): chr2:165,131,258, G>A on the plus strand (C>T on the coding strand, the complement: SCN3A is on the minus strand). VCF-style: chr2-165131258-G-A. GRCh37 (hg19) VCF-style: chr2-165987768-G-A.
Other names: c.2404C>T, p.Arg802Ter (NM_001081676.2, NM_001081677.2); short protein forms R802*, R851*.
Identifiers: ClinVar variation 1984352 (VCV001984352.4), dbSNP rs1363400927, ClinGen allele CA349043070.